The following is an entry in ClinVar:

NM_000548.5(TSC2):c.1969A>C (p.Lys657Gln)

Gene: TSC2 (TSC complex subunit 2; plus strand). Cytogenetic location: 16p13.3.
Variant type: single nucleotide variant.
Coding change: c.1969A>C on transcript NM_000548.5 (MANE Select); coding-DNA position 1969, A replaced by C.
Protein change: p.Lys657Gln; replaces lysine 657 with glutamine.
Molecular consequence: missense variant.
Genome position (GRCh38, 1-based): chr16:2,071,806, A>C. VCF-style: chr16-2071806-A-C. GRCh37 (hg19) VCF-style: chr16-2121807-A-C.
Other names: c.1969A>C, p.Lys657Gln (NM_001077183.3, NM_001114382.3, NM_001363528.2 and 3 more transcripts); c.1858A>C, p.Lys620Gln (NM_001318827.2); c.1822A>C, p.Lys608Gln (NM_001318829.2); c.1369A>C, p.Lys457Gln (NM_001318831.2); c.2002A>C, p.Lys668Gln (NM_001318832.2); short protein forms K657Q, K457Q, K620Q, K668Q, K608Q.
Identifiers: ClinVar variation 405983 (VCV000405983.22), dbSNP rs45488199, ClinGen allele CA035326.
Genomic context (GRCh38, chr16:2,071,806, plus strand): 5'-CGGGGACTTGGCCTCAGCTGCTTCTCTTGCTTCTGCAGGGAGCCAGAGAGAGGCTCTGAG[A>C]AGAAGACCAGCGGCCCCCTTTCTCCTCCCACAGGGCCTCCTGGCCCGGCGCCTGCAGGCC-3'
Protein context (NP_000539.2, residues 647-667): DYMEPERGSE[Lys657Gln]KTSGPLSPPT

ClinVar aggregate classification (germline): Conflicting classifications of pathogenicity. Review status: criteria provided, conflicting classifications (1 of 4 stars). 7 submissions from 7 submitters: Uncertain significance (4); Likely benign (3). Last evaluated 2025-09-02.

Conditions:
Isolated focal cortical dysplasia type II (FCORD2). Also called: CORTICAL DYSPLASIA OF TAYLOR; Focal cortical dysplasia type II. Identifiers: Orphanet 268994, MedGen C1846385, MONDO:0011818, OMIM 607341, HP:0032051.
Lymphangiomyomatosis (LAM). Also called: Lymphangioleiomyomatosis, somatic; Lymphangioleiomyomatosis. Identifiers: Orphanet 538, MedGen C0751674, MONDO:0011705, OMIM 606690.
Tuberous sclerosis 2 (TSC2). Identifiers: Orphanet 805, MedGen C1860707, MONDO:0013199, OMIM 613254.
Hereditary cancer-predisposing syndrome. Also called: Tumor predisposition; Neoplastic Syndromes, Hereditary; Hereditary Cancer Syndrome; Hereditary neoplastic syndrome. Identifiers: Orphanet 140162, MedGen C0027672, MeSH D009386, MONDO:0015356.
Tuberous sclerosis syndrome (TSC). Also called: Tuberous Sclerosis Complex; Tuberous sclerosis. Identifiers: Orphanet 805, MedGen C0041341, MONDO:0001734.

Allele frequency attached by ClinVar (database versions not stated): gnomAD 0.00001; TOPMed 0.00001; gnomAD exomes 0.00002; ExAC 0.00004.
gnomAD v4.1: 20 of 1,605,376 alleles (0.0012%); highest among the groups gnomAD compares: Middle Eastern, 0.049%; no homozygotes.

Submissions (7):

Labcorp Genetics (formerly Invitae), Labcorp
Classification: Likely benign for Tuberous sclerosis 2. Last evaluated: 2025-09-02. Review status: criteria provided, single submitter. Criteria: Invitae Variant Classification Sherloc (09022015). Collection method: clinical testing. Allele origin: germline.

Quest Diagnostics Nichols Institute San Juan Capistrano
Classification: Uncertain significance. Last evaluated: 2025-07-02. Review status: criteria provided, single submitter. Criteria: Quest Diagnostics criteria. Collection method: clinical testing. Allele origin: unknown.

All of Us Research Program, National Institutes of Health
Classification: Uncertain significance for Tuberous sclerosis syndrome. Last evaluated: 2024-07-29. Review status: criteria provided, single submitter. Criteria: ACMG Guidelines, 2015. Collection method: clinical testing. Allele origin: germline. Inheritance: Autosomal dominant inheritance. Observed: 6 variant alleles, 6 heterozygotes.
Comment: This missense variant replaces lysine with glutamine at codon 657 of the TSC2 protein. Computational prediction is inconclusive regarding the impact of this variant on protein structure and function (internally defined REVEL score threshold 0.5 < inconclusive < 0.7, PMID: 27666373). To our knowledge, functional studies have not been reported for this variant. This variant has not been reported in individuals affected with tuberous sclerosis complex in the literature. This variant has been identified in 5/262802 chromosomes in the general population by the Genome Aggregation Database (gnomAD). The available evidence is insufficient to determine the role of this variant in disease conclusively. Therefore, this variant is classified as a Variant of Uncertain Significance.

This study involves interpretation of variants in research participants for the purpose of population health screening. Participant phenotype was not available at the time of variant classification. Additional details can be found in publication PMID: 35346344, PMCID: PMC8962531

Fulgent Genetics
Classification: Uncertain significance for Lymphangiomyomatosis; Isolated focal cortical dysplasia type II; Tuberous sclerosis 2. Last evaluated: 2024-05-30. Review status: criteria provided, single submitter. Criteria: ACMG Guidelines, 2015. Collection method: clinical testing. Allele origin: germline.

Color Diagnostics, LLC DBA Color Health
Classification: Uncertain significance for Tuberous sclerosis syndrome. Last evaluated: 2024-03-06. Review status: criteria provided, single submitter. Criteria: ACMG Guidelines, 2015. Collection method: clinical testing. Allele origin: germline.
Comment: This missense variant replaces lysine with glutamine at codon 657 of the TSC2 protein. Computational prediction is inconclusive regarding the impact of this variant on protein structure and function. To our knowledge, functional studies have not been reported for this variant. This variant has not been reported in individuals affected with tuberous sclerosis complex in the literature. This variant has been identified in 5/262802 chromosomes in the general population by the Genome Aggregation Database (gnomAD). The available evidence is insufficient to determine the role of this variant in disease conclusively. Therefore, this variant is classified as a Variant of Uncertain Significance.

Ambry Genetics
Classification: Likely benign for Hereditary cancer-predisposing syndrome. Last evaluated: 2023-02-13. Review status: criteria provided, single submitter. Criteria: Ambry Variant Classification Scheme 2023. Collection method: clinical testing. Allele origin: germline.

Genome-Nilou Lab
Classification: Likely benign for Tuberous sclerosis 2. Last evaluated: 2021-11-07. Review status: criteria provided, single submitter. Criteria: ACMG Guidelines, 2015. Collection method: clinical testing. Allele origin: germline. Affected: no.